The following is an entry in ClinVar:

NM_001127464.1:c.7483T>C

Gene: ZNF469 (zinc finger protein 469; plus strand).
Variant type: single nucleotide variant.
Identifiers: ClinVar variation 4209219 (VCV004209219.1).

ClinVar aggregate classification (germline): Uncertain significance (1 of 4 stars; one submission).

Conditions:
Cardiovascular phenotype. Identifiers: MedGen CN230736.

Submission:

Ambry Genetics
Classification: Uncertain significance for Cardiovascular phenotype. Last evaluated: 2025-08-19. Review status: criteria provided, single submitter. Criteria: Ambry Variant Classification Scheme 2023. Collection method: clinical testing. Allele origin: germline.
Comment: The p.C2495R variant (also known as c.7483T>C), located in coding exon 2 of the ZNF469 gene, results from a T to C substitution at nucleotide position 7483. The cysteine at codon 2495 is replaced by arginine, an amino acid with highly dissimilar properties. This amino acid position is conserved. In addition, this alteration is predicted to be tolerated by in silico analysis. Based on the available evidence, the clinical significance of this variant remains unclear.